The following is an entry in ClinVar:

ClinVar aggregate classification (germline): Uncertain significance. Review status: criteria provided, multiple submitters, no conflicts (2 of 4 stars). 2 submissions from 2 submitters: Uncertain significance (2). Last evaluated 2023-06-03.

Conditions:
Charcot-Marie-Tooth disease type 4. Also called: Charcot-Marie-Tooth disease, type IV; Charcot-Marie-Tooth, Type 4. Identifiers: Orphanet 64749, MedGen C4082197, MONDO:0018995.
Inborn genetic diseases. Identifiers: MedGen C0950123, MeSH D030342.

Allele frequency attached by ClinVar (database versions not stated): gnomAD exomes below 0.00001; gnomAD 0.00001; TOPMed 0.00001.
gnomAD v4.1: 2 of 1,614,068 alleles (0.00012%); highest among the groups gnomAD compares: South Asian, 0.0011%; no homozygotes.

Submissions (2):

Labcorp Genetics (formerly Invitae), Labcorp
Classification: Uncertain significance for Charcot-Marie-Tooth disease type 4. Last evaluated: 2023-06-03. Review status: criteria provided, single submitter. Criteria: Invitae Variant Classification Sherloc (09022015). Collection method: clinical testing. Allele origin: germline.
Comment: In summary, the available evidence is currently insufficient to determine the role of this variant in disease. Therefore, it has been classified as a Variant of Uncertain Significance. Advanced modeling of protein sequence and biophysical properties (such as structural, functional, and spatial information, amino acid conservation, physicochemical variation, residue mobility, and thermodynamic stability) has been performed at Invitae for this missense variant, however the output from this modeling did not meet the statistical confidence thresholds required to predict the impact of this variant on SH3TC2 protein function. ClinVar contains an entry for this variant (Variation ID: 1733937). This variant has not been reported in the literature in individuals affected with SH3TC2-related conditions. This variant is present in population databases (no rsID available, gnomAD 0.003%). This sequence change replaces alanine, which is neutral and non-polar, with threonine, which is neutral and polar, at codon 1230 of the SH3TC2 protein (p.Ala1230Thr).

Ambry Genetics
Classification: Uncertain significance for Inborn genetic diseases. Last evaluated: 2020-06-16. Review status: criteria provided, single submitter. Criteria: Ambry Variant Classification Scheme 2023. Collection method: clinical testing. Allele origin: germline.
Comment: The p.A1230T variant (also known as c.3688G>A), located in coding exon 17 of the SH3TC2 gene, results from a G to A substitution at nucleotide position 3688. The alanine at codon 1230 is replaced by threonine, an amino acid with similar properties. This amino acid position is highly conserved in available vertebrate species. In addition, this alteration is predicted to be deleterious by in silico analysis. Since supporting evidence is limited at this time, the clinical significance of this alteration remains unclear.

NM_024577.4(SH3TC2):c.3688G>A (p.Ala1230Thr)

Gene: SH3TC2 (SH3 domain and tetratricopeptide repeats 2; minus strand). Cytogenetic location: 5q32.
Variant type: single nucleotide variant.
Coding change: c.3688G>A on transcript NM_024577.4 (MANE Select); coding-DNA position 3688, G replaced by A.
Protein change: p.Ala1230Thr; replaces alanine 1230 with threonine.
Molecular consequence: missense variant.
Genome position (GRCh38, 1-based): chr5:149,004,890, C>T on the plus strand (G>A on the coding strand, the complement: SH3TC2 is on the minus strand). VCF-style: chr5-149004890-C-T. GRCh37 (hg19) VCF-style: chr5-148384453-C-T.
Other names: short protein forms A1230T.
Identifiers: ClinVar variation 1733937 (VCV001733937.5), dbSNP rs1369937846, ClinGen allele CA361663764.